The following is an entry in ClinVar:

NM_001903.5(CTNNA1):c.588+5A>G

Gene: CTNNA1 (catenin alpha 1; plus strand). Cytogenetic location: 5q31.2.
Variant type: single nucleotide variant.
Coding change: c.588+5A>G on transcript NM_001903.5 (MANE Select); 5 bases into the intron after coding-DNA position 588, A replaced by G.
Molecular consequence: intron variant.
Genome position (GRCh38, 1-based): chr5:138,812,307, A>G. VCF-style: chr5-138812307-A-G. GRCh37 (hg19) VCF-style: chr5-138147996-A-G.
Other names: c.588+5A>G (NM_001323982.2, NM_001323984.2, NM_001290307.3 and 3 more transcripts); c.219+5A>G (NM_001290310.3); c.279+5A>G (NM_001290309.3).
Identifiers: ClinVar variation 1063324 (VCV001063324.9), dbSNP rs947886432, ClinGen allele CA128221017.

ClinVar aggregate classification (germline): Uncertain significance (1 of 4 stars; one submission).

Allele frequency attached by ClinVar (database versions not stated): TOPMed below 0.00001; gnomAD 0.00001.
gnomAD v4.1: 1 of 1,608,588 alleles (0.000062%); highest among the groups gnomAD compares: African/African-American, 0.0014%; no homozygotes.

Submission:

Labcorp Genetics (formerly Invitae), Labcorp
Classification: Uncertain significance. Last evaluated: 2020-03-23. Review status: criteria provided, single submitter. Criteria: Invitae Variant Classification Sherloc (09022015). Collection method: clinical testing. Allele origin: germline.
Comment: In summary, the available evidence is currently insufficient to determine the role of this variant in disease. Therefore, it has been classified as a Variant of Uncertain Significance. Nucleotide substitutions within the consensus splice site are a relatively common cause of aberrant splicing (PMID: 17576681, 9536098). Algorithms developed to predict the effect of sequence changes on RNA splicing suggest that this variant may create or strengthen a splice site, but this prediction has not been confirmed by published transcriptional studies. This variant has not been reported in the literature in individuals with CTNNA1-related conditions. This variant is not present in population databases (ExAC no frequency). This sequence change falls in intron 5 of the CTNNA1 gene. It does not directly change the encoded amino acid sequence of the CTNNA1 protein, but it affects a nucleotide within the consensus splice site of the intron.

Literature cited by the submitters: PubMed 17576681; PubMed 9536098.